The following is an entry in ClinVar:

NM_022051.3(EGLN1):c.1250C>T (p.Pro417Leu)

Gene: EGLN1 (egl-9 family hypoxia inducible factor 1; minus strand). Cytogenetic location: 1q42.2.
Variant type: single nucleotide variant.
Coding change: c.1250C>T on transcript NM_022051.3 (MANE Select); coding-DNA position 1250, C replaced by T.
Protein change: p.Pro417Leu; replaces proline 417 with leucine.
Molecular consequence: missense variant. On other transcripts: 3 prime UTR variant (2).
Genome position (GRCh38, 1-based): chr1:231,366,442, G>A on the plus strand (C>T on the coding strand, the complement: EGLN1 is on the minus strand). VCF-style: chr1-231366442-G-A. GRCh37 (hg19) VCF-style: chr1-231502188-G-A.
Other names: c.*30C>T (NM_001377260.1); c.*75C>T (NM_001377261.1); short protein forms P417L.
Identifiers: ClinVar variation 1519938 (VCV001519938.9), dbSNP rs1293477221, ClinGen allele CA345238379.

ClinVar aggregate classification (germline): Uncertain significance. Review status: criteria provided, multiple submitters, no conflicts (2 of 4 stars). 2 submissions from 2 submitters: Uncertain significance (2). Last evaluated 2024-08-08.

Conditions:
Erythrocytosis, familial, 3 (ECYT3). Identifiers: Orphanet 247511, MedGen C1853286, MONDO:0012353, OMIM 609820.

Allele frequency attached by ClinVar (database versions not stated): gnomAD exomes below 0.00001 and 0.00001.
gnomAD v4.1: 5 of 1,613,786 alleles (0.00031%); highest among the groups gnomAD compares: East Asian, 0.0045%; no homozygotes.

Submissions (2):

Ambry Genetics
Classification: Uncertain significance. Last evaluated: 2024-08-08. Review status: criteria provided, single submitter. Criteria: Ambry Variant Classification Scheme 2023. Collection method: clinical testing. Allele origin: germline.
Comment: The p.P417L variant (also known as c.1250C>T), located in coding exon 5 of the EGLN1 gene, results from a C to T substitution at nucleotide position 1250. The proline at codon 417 is replaced by leucine, an amino acid with similar properties. This amino acid position is highly conserved in available vertebrate species. In addition, the in silico prediction for this alteration is inconclusive. The evidence for this gene-disease relationship is limited; therefore, the clinical significance of this alteration is unclear.

Labcorp Genetics (formerly Invitae), Labcorp
Classification: Uncertain significance for Erythrocytosis, familial, 3. Last evaluated: 2021-10-14. Review status: criteria provided, single submitter. Criteria: Invitae Variant Classification Sherloc (09022015). Collection method: clinical testing. Allele origin: germline.
Comment: This sequence change replaces proline with leucine at codon 417 of the EGLN1 protein (p.Pro417Leu). The proline residue is moderately conserved and there is a moderate physicochemical difference between proline and leucine. This variant is not present in population databases (ExAC no frequency). This variant has not been reported in the literature in individuals affected with EGLN1-related conditions. Algorithms developed to predict the effect of missense changes on protein structure and function are either unavailable or do not agree on the potential impact of this missense change (SIFT: "Deleterious"; PolyPhen-2: "Possibly Damaging"; Align-GVGD: "Class C0"). In summary, the available evidence is currently insufficient to determine the role of this variant in disease. Therefore, it has been classified as a Variant of Uncertain Significance.